The following is an entry in ClinVar:

NM_015100.4(POGZ):c.2989C>T (p.Arg997Ter)

Gene: POGZ (pogo transposable element derived with ZNF domain; minus strand). Cytogenetic location: 1q21.3.
Variant type: single nucleotide variant.
Coding change: c.2989C>T on transcript NM_015100.4 (MANE Select); coding-DNA position 2989, C replaced by T.
Protein change: p.Arg997Ter; replaces arginine 997 with a stop codon.
Molecular consequence: nonsense.
Genome position (GRCh38, 1-based): chr1:151,406,046, G>A on the plus strand (C>T on the coding strand, the complement: POGZ is on the minus strand). VCF-style: chr1-151406046-G-A. GRCh37 (hg19) VCF-style: chr1-151378522-G-A.
Other names: c.2962C>T, p.Arg988Ter (NM_001194937.2); c.2803C>T, p.Arg935Ter (NM_001194938.2); c.2704C>T, p.Arg902Ter (NM_145796.4); c.2830C>T, p.Arg944Ter (NM_207171.2); short protein forms R997*, R935*, R988*, R902*, R944*.
Identifiers: ClinVar variation 521279 (VCV000521279.11), dbSNP rs1553212545, ClinGen allele CA341946913.

ClinVar aggregate classification (germline): Pathogenic/Likely pathogenic. Review status: criteria provided, multiple submitters, no conflicts (2 of 4 stars). 9 submissions from 9 submitters: Pathogenic (7); Likely pathogenic (2). Last evaluated 2025-06-02.

Conditions:
Inborn genetic diseases. Identifiers: MedGen C0950123, MeSH D030342.
Intellectual disability-microcephaly-strabismus-behavioral abnormalities syndrome. Also called: White-Sutton Syndrome. Identifiers: Orphanet 468678, MedGen C4225351, MONDO:0014606, OMIM 616364.
POGZ-related disorder. Also called: POGZ-related condition.

Submissions (9):

PreventionGenetics, part of Exact Sciences
Classification: Pathogenic for POGZ-related condition. Last evaluated: 2025-06-02. Review status: criteria provided, single submitter. Criteria: ACMG Guidelines, 2015. Collection method: clinical testing. Allele origin: germline.
Comment: The POGZ c.2989C>T variant is predicted to result in premature protein termination (p.Arg997*). This variant has been reported in the de novo and heterozygous state in individuals with POGZ-related autism spectrum disorder, intellectual disability, or developmental delay (Supplement 8, Kosmicki et al. 2017. PubMed ID: 28191890; Assia Batzir et al. 2019. PubMed ID: 31782611). This variant has not been reported in a large population database, indicating this variant is rare. Nonsense variants in POGZ are expected to be pathogenic. This variant is interpreted as pathogenic.

Center of Human Genetics, Hôpital Erasme
Classification: Pathogenic for Intellectual disability-microcephaly-strabismus-behavioral abnormalities syndrome. Last evaluated: 2025-01-01. Review status: criteria provided, single submitter. Criteria: ACMG Guidelines, 2015. Collection method: clinical testing. Allele origin: de novo. Affected: yes.

Genome-Nilou Lab
Classification: Likely pathogenic for Intellectual disability-microcephaly-strabismus-behavioral abnormalities syndrome. Last evaluated: 2023-04-11. Review status: criteria provided, single submitter. Criteria: ACMG Guidelines, 2015. Collection method: clinical testing. Allele origin: germline. Affected: no.

GeneDx
Classification: Pathogenic. Last evaluated: 2022-09-01. Review status: criteria provided, single submitter. Criteria: GeneDx Variant Classification Process June 2021. Collection method: clinical testing. Allele origin: germline. Affected: yes.
Comment: Nonsense variant in the C-terminus predicted to result in protein truncation, as the last 414 amino acids are lost, and other loss-of-function variants have been reported downstream in the Human Gene Mutation Database (HGMD); Not observed in large population cohorts (gnomAD); This variant is associated with the following publications: (PMID: 27535533, 24077912, 31782611, 28191890)

Laboratory of Medical Genetics, National & Kapodistrian University of Athens
Classification: Pathogenic for Intellectual disability-microcephaly-strabismus-behavioral abnormalities syndrome. Last evaluated: 2022-01-18. Review status: criteria provided, single submitter. Criteria: ACMG Guidelines, 2015. Collection method: clinical testing. Allele origin: germline. Affected: yes.
Comment: PVS1, PM2, PP3, PP5

Institute of Human Genetics Munich, TUM University Hospital
Classification: Pathogenic for Intellectual disability-microcephaly-strabismus-behavioral abnormalities syndrome. Last evaluated: 2021-08-05. Review status: criteria provided, single submitter. Criteria: Classification criteria August 2017. Collection method: clinical testing. Allele origin: de novo. Inheritance: Autosomal dominant inheritance. Affected: yes. Observed: 1 variant allele.

Institute of Human Genetics, University of Leipzig Medical Center
Classification: Likely pathogenic for Intellectual disability-microcephaly-strabismus-behavioral abnormalities syndrome. Last evaluated: 2018-10-25. Review status: criteria provided, single submitter. Criteria: ACMG Guidelines, 2015. Collection method: clinical testing. Allele origin: germline. Affected: yes. Observed: 1 variant allele.

Ambry Genetics
Classification: Pathogenic for Inborn genetic diseases. Last evaluated: 2016-09-13. Review status: criteria provided, single submitter. Criteria: Ambry exome assertion method (8-5-2015). Collection method: clinical testing. Allele origin: germline. Affected: yes. Observed: 1 variant allele.

Neuberg Centre For Genomic Medicine, NCGM
Classification: Pathogenic for Intellectual disability-microcephaly-strabismus-behavioral abnormalities syndrome. Review status: criteria provided, single submitter. Criteria: ACMG Guidelines, 2015. Collection method: clinical testing. Allele origin: germline. Inheritance: Autosomal dominant inheritance. Affected: yes.
Comment: The stop gained variant c.2989C>T (p.Arg997Ter) in POGZ gene has been reported previously in heterozygous state in patient affected with White-Sutton syndrome (Assia Batzir et al., 2020). The c.2989C>T variant is novel (not in any individuals) in gnomAD exomes and 1000 Genomes. This variant has been reported to the ClinVar database as Pathogenic/Likely_pathogenic. This variant is predicted to cause loss of normal protein function through protein truncation. Loss of function variants have been previously reported to be disease causing. The nucleotide change c.2989C>T in POGZ is predicted as conserved by GERP++ and PhyloP across 100 vertebrates. The observed variant is present in the last exon. For these reasons, this variant has been classified as Pathogenic